The following is an entry in ClinVar:

NM_000206.3(IL2RG):c.943_962del (p.Lys315fs)

Gene: IL2RG (interleukin 2 receptor subunit gamma; minus strand). Cytogenetic location: Xq13.1.
Variant type: Deletion.
Coding change: c.943_962del on transcript NM_000206.3 (MANE Select); coding-DNA positions 943 to 962, 20 bases deleted (AAGGGACTGGCTGAGAGTCT).
Protein change: p.Lys315fs; shifts the reading frame from lysine 315.
Molecular consequence: frameshift variant.
Genome position (GRCh38, 1-based): chrX:71,107,884-71,107,903, AGACTCTCAGCCAGTCCCTT deleted on the plus strand (AAGGGACTGGCTGAGAGTCT on the coding strand, the reverse complement: IL2RG is on the minus strand); deleting any 20 consecutive bases within chrX:71,107,884-71,107,907 gives the same sequence; the c. name uses the placement nearest the transcript's 3' end. VCF-style (leftmost placement, unchanged base first): chrX-71107883-CAGACTCTCAGCCAGTCCCTT-C. GRCh37 (hg19) VCF-style: chrX-70327733-CAGACTCTCAGCCAGTCCCTT-C.
Other names: short protein forms K315fs.
Identifiers: ClinVar variation 1711710 (VCV001711710.30), dbSNP rs2521700357, ClinGen allele CA2580101311.
Genomic context (GRCh38, chrX:71,107,883, plus strand): 5'-GGCCCCTCCTTTTGGGGGAATCTCACTGACGAGGCAGAGTCGTTCACTGTAGTCTGGCTG[CAGACTCTCAGCCAGTCCCTT>C]AGACACACCACTCCAGGCCTAAAGACAGATATGTCCAGGTCAGGGGTCAATTAGGGGCAG-3'

ClinVar aggregate classification (germline): Pathogenic (1 of 4 stars; one submission).

Submission:

CeGaT Center for Human Genetics Tuebingen
Classification: Pathogenic. Last evaluated: 2022-09-01. Review status: criteria provided, single submitter. Criteria: CeGaT Center For Human Genetics Tuebingen Variant Classification Criteria Version 2. Collection method: clinical testing. Allele origin: germline. Affected: yes. Observed: 1 variant allele.
Comment: IL2RG: PVS1:Strong, PM2, PP4:Moderate, PS3:Supporting, PS4:Supporting